The following is an entry in ClinVar:

ClinVar aggregate classification (germline): Uncertain significance. Review status: criteria provided, multiple submitters, no conflicts (2 of 4 stars). 2 submissions from 2 submitters: Uncertain significance (2). Last evaluated 2022-09-14.

Conditions:
Hereditary cancer-predisposing syndrome. Also called: Neoplastic Syndromes, Hereditary; Tumor predisposition; Hereditary Cancer Syndrome; Hereditary neoplastic syndrome. Identifiers: Orphanet 140162, MedGen C0027672, MeSH D009386, MONDO:0015356.
Cardiovascular phenotype. Identifiers: MedGen CN230736.

gnomAD v4.1: 1 of 1,613,650 alleles (0.000062%); highest among the groups gnomAD compares: Non-Finnish European, 0.000085%; no homozygotes.

Submissions (2):

Institute for Clinical Genetics, University Hospital TU Dresden, University Hospital TU Dresden
Classification: Uncertain significance. Last evaluated: 2022-09-14. Review status: criteria provided, single submitter. Criteria: ACMG Guidelines, 2015. Collection method: clinical testing. Allele origin: germline.
Comment: PM2_SUP

Ambry Genetics
Classification: Uncertain significance for Cardiovascular phenotype; Hereditary cancer-predisposing syndrome. Last evaluated: 2022-06-28. Review status: criteria provided, single submitter. Criteria: Ambry Variant Classification Scheme 2023. Collection method: clinical testing. Allele origin: germline.
Comment: The p.E660Q variant (also known as c.1978G>C), located in coding exon 17 of the LZTR1 gene, results from a G to C substitution at nucleotide position 1978. The glutamic acid at codon 660 is replaced by glutamine, an amino acid with highly similar properties. This amino acid position is conserved. In addition, this alteration is predicted to be tolerated by in silico analysis. Since supporting evidence is limited at this time, the clinical significance of this alteration remains unclear.

NM_006767.4(LZTR1):c.1978G>C (p.Glu660Gln)

Gene: LZTR1 (leucine zipper like post translational regulator 1; plus strand). Cytogenetic location: 22q11.21.
Variant type: single nucleotide variant.
Coding change: c.1978G>C on transcript NM_006767.4 (MANE Select); coding-DNA position 1978, G replaced by C.
Protein change: p.Glu660Gln; replaces glutamic acid 660 with glutamine.
Molecular consequence: missense variant.
Genome position (GRCh38, 1-based): chr22:20,995,781, G>C. VCF-style: chr22-20995781-G-C. GRCh37 (hg19) VCF-style: chr22-21350070-G-C.
Other names: short protein forms E660Q.
Identifiers: ClinVar variation 1783751 (VCV001783751.3), dbSNP rs151000791, ClinGen allele CA410778996.
Genomic context (GRCh38, chr22:20,995,781, plus strand): 5'-TGCTCAGGGACCCTCCTACCCCCAGGCACATCTCTGATCCAGGACATGAAGGCATACCTG[G>C]AGGGAGCGGGCGCGGAATTCTGTGACATCACTCTGTTGCTTGACGGGCACCCACGGCCAG-3'
Protein context (NP_006758.2, residues 650-670): SLIQDMKAYL[Glu660Gln]GAGAEFCDIT